The following is an entry in ClinVar:

NM_000059.4(BRCA2):c.6841+1499C>T

Gene: BRCA2 (BRCA2 DNA repair associated; plus strand). Cytogenetic location: 13q13.1.
Variant type: single nucleotide variant.
Coding change: c.6841+1499C>T on transcript NM_000059.4 (MANE Select); 1499 bases into the intron after coding-DNA position 6841, C replaced by T.
Molecular consequence: intron variant.
Genome position (GRCh38, 1-based): chr13:32,342,695, C>T. VCF-style: chr13-32342695-C-T. GRCh37 (hg19) VCF-style: chr13-32916832-C-T.
Identifiers: ClinVar variation 264970 (VCV000264970.1), dbSNP rs552441343, ClinGen allele CA10588095.

ClinVar aggregate classification (germline): Benign (3 of 4 stars; one submission).

Conditions:
Breast-ovarian cancer, familial, susceptibility to, 2 (BROVCA2). Also called: BRCA2 Hereditary Breast and Ovarian Cancer. Identifiers: Orphanet 145, MedGen C2675520, MONDO:0012933, OMIM 612555. Disease mechanism: loss of function.

Allele frequency attached by ClinVar (database versions not stated): gnomAD 0.00002 and 0.00031; TOPMed 0.00005; 1000 Genomes Project 30x 0.00250; 1000 Genomes Project 0.00280.
gnomAD v4.1: 48 of 152,276 alleles (0.032%); highest among the groups gnomAD compares: South Asian, 0.95%; no homozygotes.

Submission:

Evidence-based Network for the Interpretation of Germline Mutant Alleles (ENIGMA)
Classification: Benign for Breast-ovarian cancer, familial, susceptibility to, 2. Last evaluated: 2016-09-28. Review status: reviewed by expert panel. Criteria: ENIGMA BRCA1/2 Classification Criteria (2015). Collection method: curation. Allele origin: germline.
Comment: Class 1 not pathogenic based on frequency >1% in an outbred sampleset. Frequency 0.0143 (South Asian), derived from 1000 genomes (2013-05-02).